The following is an entry in ClinVar:

NM_022836.4(DCLRE1B):c.226G>C (p.Glu76Gln)

Gene: DCLRE1B (DNA cross-link repair 1B; plus strand). Cytogenetic location: 1p13.2.
Variant type: single nucleotide variant.
Coding change: c.226G>C on transcript NM_022836.4 (MANE Select); coding-DNA position 226, G replaced by C.
Protein change: p.Glu76Gln; replaces glutamic acid 76 with glutamine.
Molecular consequence: missense variant. On other transcripts: intron variant (3).
Genome position (GRCh38, 1-based): chr1:113,907,032, G>C. VCF-style: chr1-113907032-G-C. GRCh37 (hg19) VCF-style: chr1-114449654-G-C.
Other names: c.226G>C (NM_022836.3); c.226G>C, p.Glu76Gln (NM_001363690.2); c.-23-977G>C (NM_001319947.2, NM_001319946.2, NM_001363691.2); short protein forms E76Q.
Identifiers: ClinVar variation 1056946 (VCV001056946.10), dbSNP rs776471212, ClinGen allele CA1016316.
Genomic context (GRCh38, chr1:113,907,032, plus strand): 5'-TGGGATGACTAACTGTTTTCTCAGGTATCTAAGCAATGGATCCAAGCCCTGGAGGTTGGT[G>C]AGAGCCATGTATTACCCCTAGATGAAATTGGACAAGAGACCATGACCGTAACCCTCCTCG-3'
Protein context (NP_073747.1, residues 66-86): KQWIQALEVG[Glu76Gln]SHVLPLDEIG

ClinVar aggregate classification (germline): Uncertain significance. Review status: criteria provided, multiple submitters, no conflicts (2 of 4 stars). 2 submissions from 2 submitters: Uncertain significance (2). Last evaluated 2024-11-10.

Conditions:
Hoyeraal-Hreidarsson syndrome (HHS). Also called: CEREBELLAR HYPOPLASIA WITH PANCYTOPENIA. Identifiers: Orphanet 3322, MedGen C1846142, MONDO:0018045.
Autosomal recessive dyskeratosis congenita. Identifiers: MedGen C3502105.

Allele frequency attached by ClinVar (database versions not stated): gnomAD exomes below 0.00001; ExAC 0.00001.
gnomAD v4.1: 1 of 1,613,960 alleles (0.000062%); highest among the groups gnomAD compares: Non-Finnish European, 0.000085%; no homozygotes.

Submissions (2):

Ambry Genetics
Classification: Uncertain significance. Last evaluated: 2024-11-10. Review status: criteria provided, single submitter. Criteria: Ambry Variant Classification Scheme 2023. Collection method: clinical testing. Allele origin: germline.

Labcorp Genetics (formerly Invitae), Labcorp
Classification: Uncertain significance for Hoyeraal-Hreidarsson syndrome; Autosomal recessive dyskeratosis congenita. Last evaluated: 2020-01-26. Review status: criteria provided, single submitter. Criteria: Invitae Variant Classification Sherloc (09022015). Collection method: clinical testing. Allele origin: germline.
Comment: This variant is present in population databases (rs776471212, ExAC 0.009%). This sequence change replaces glutamic acid with glutamine at codon 76 of the DCLRE1B protein (p.Glu76Gln). The glutamic acid residue is moderately conserved and there is a small physicochemical difference between glutamic acid and glutamine. This variant has not been reported in the literature in individuals with DCLRE1B-related conditions. Algorithms developed to predict the effect of missense changes on protein structure and function are either unavailable or do not agree on the potential impact of this missense change (SIFT: "Tolerated"; PolyPhen-2: "Possibly Damaging"; Align-GVGD: "Class C0"). In summary, the available evidence is currently insufficient to determine the role of this variant in disease. Therefore, it has been classified as a Variant of Uncertain Significance.